The following is an entry in ClinVar:

NM_001383.6(DPH1):c.80G>A (p.Arg27His)

Gene: DPH1 (diphthamide biosynthesis 1; plus strand). Cytogenetic location: 17p13.3.
Variant type: single nucleotide variant.
Coding change: c.80G>A on transcript NM_001383.6 (MANE Select); coding-DNA position 80, G replaced by A.
Protein change: p.Arg27His; replaces arginine 27 with histidine.
Molecular consequence: missense variant. On other transcripts: 5 prime UTR variant (1), non-coding transcript variant (3).
Genome position (GRCh38, 1-based): chr17:2,033,523, G>A. VCF-style: chr17-2033523-G-A. GRCh37 (hg19) VCF-style: chr17-1936817-G-A.
Other names: c.95G>A, p.Arg32His (NM_001346574.1, NM_001346575.1); c.-204G>A (NM_001346576.2); short protein forms R27H, R32H.
Identifiers: ClinVar variation 1033423 (VCV001033423.2), dbSNP rs1300534676, ClinGen allele CA397602189.

ClinVar aggregate classification (germline): Uncertain significance. Review status: criteria provided, multiple submitters, no conflicts (2 of 4 stars). 2 submissions from 2 submitters: Uncertain significance (2). Last evaluated 2025-02-19.

Conditions:
Developmental delay with short stature, dysmorphic facial features, and sparse hair. Also called: Developmental delay with short stature, dysmorphic features, and sparse hair. Identifiers: Orphanet 459061, MedGen C4310801, MONDO:0031632.
Inborn genetic diseases. Identifiers: MedGen C0950123, MeSH D030342.

Allele frequency attached by ClinVar (database versions not stated): gnomAD 0.00001; gnomAD exomes 0.00001; TOPMed 0.00001.

Submissions (2):

Ambry Genetics
Classification: Uncertain significance for Inborn genetic diseases. Last evaluated: 2025-02-19. Review status: criteria provided, single submitter. Criteria: Ambry Variant Classification Scheme 2023. Collection method: clinical testing. Allele origin: germline.

Baylor Genetics
Classification: Uncertain significance for Developmental delay with short stature, dysmorphic facial features, and sparse hair 1. Last evaluated: 2018-01-29. Review status: criteria provided, single submitter. Criteria: ACMG Guidelines, 2015. Collection method: clinical testing. Allele origin: unknown. Affected: yes.
Comment: This variant was determined to be of uncertain significance according to ACMG Guidelines, 2015 [PMID:25741868].